The following is an entry in ClinVar:

NM_004991.4(MECOM):c.2006C>T (p.Ala669Val)

Gene: MECOM (MDS1 and EVI1 complex locus; minus strand). Cytogenetic location: 3q26.2.
Variant type: single nucleotide variant.
Coding change: c.2006C>T on transcript NM_004991.4 (MANE Select); coding-DNA position 2006, C replaced by T.
Protein change: p.Ala669Val; replaces alanine 669 with valine.
Molecular consequence: missense variant. On other transcripts: intron variant (2).
Genome position (GRCh38, 1-based): chr3:169,115,866, G>A on the plus strand (C>T on the coding strand, the complement: MECOM is on the minus strand). VCF-style: chr3-169115866-G-A. GRCh37 (hg19) VCF-style: chr3-168833654-G-A.
Other names: c.1637C>T, p.Ala546Val (NM_001105077.4); c.1442C>T, p.Ala481Val (NM_001105078.4, NM_001164000.2, NM_001205194.2 and 4 more transcripts); c.1445C>T, p.Ala482Val (NM_001163999.2, NM_001366467.2, NM_001366468.2 and 1 more transcripts); c.2006C>T, p.Ala669Val (NM_001366466.2); c.1133-99C>T (NM_001366473.2); c.569-99C>T (NM_001366474.2); short protein forms A669V, A481V, A482V, A546V.
Identifiers: ClinVar variation 4053147 (VCV004053147.1).

ClinVar aggregate classification (germline): Uncertain significance (1 of 4 stars; one submission).

Conditions:
Inborn genetic diseases. Identifiers: MedGen C0950123, MeSH D030342.

Submission:

Ambry Genetics
Classification: Uncertain significance for Inborn genetic diseases. Last evaluated: 2025-04-05. Review status: criteria provided, single submitter. Criteria: Ambry Variant Classification Scheme 2023. Collection method: clinical testing. Allele origin: germline.
Comment: The p.A669V variant (also known as c.2006C>T), located in coding exon 8 of the MECOM gene, results from a C to T substitution at nucleotide position 2006. The alanine at codon 669 is replaced by valine, an amino acid with similar properties. This amino acid position is conserved. In addition, the in silico prediction for this alteration is inconclusive. Based on the available evidence, the clinical significance of this variant remains unclear.